The following is an entry in ClinVar:

ClinVar aggregate classification (germline): Uncertain significance (1 of 4 stars; one submission).

Conditions:
Primary dilated cardiomyopathy (DCM). Also called: Dilated Cardiomyopathy. Identifiers: Orphanet 217604, MedGen C0007193, MeSH D002311, MONDO:0005021, HP:0001644. Inheritance: Various modes of inheritance.

Allele frequency attached by ClinVar (database versions not stated): gnomAD exomes below 0.00001; gnomAD 0.00001.
gnomAD v4.1: 3 of 1,610,058 alleles (0.00019%); highest among the groups gnomAD compares: Non-Finnish European, 0.00025%; no homozygotes.

Submission:

Labcorp Genetics (formerly Invitae), Labcorp
Classification: Uncertain significance for Primary dilated cardiomyopathy. Last evaluated: 2023-02-20. Review status: criteria provided, single submitter. Criteria: Invitae Variant Classification Sherloc (09022015). Collection method: clinical testing. Allele origin: germline.
Comment: This sequence change replaces asparagine, which is neutral and polar, with serine, which is neutral and polar, at codon 620 of the NEBL protein (p.Asn620Ser). This variant is present in population databases (no rsID available, gnomAD 0.007%). This variant has not been reported in the literature in individuals affected with NEBL-related conditions. An algorithm developed to predict the effect of missense changes on protein structure and function (PolyPhen-2) suggests that this variant is likely to be disruptive. In summary, the available evidence is currently insufficient to determine the role of this variant in disease. Therefore, it has been classified as a Variant of Uncertain Significance.

NM_006393.3(NEBL):c.1859A>G (p.Asn620Ser)

Gene: NEBL (nebulette; minus strand). Cytogenetic location: 10p12.31.
Variant type: single nucleotide variant.
Coding change: c.1859A>G on transcript NM_006393.3 (MANE Select); coding-DNA position 1859, A replaced by G.
Protein change: p.Asn620Ser; replaces asparagine 620 with serine.
Molecular consequence: missense variant. On other transcripts: intron variant (9).
Genome position (GRCh38, 1-based): chr10:20,826,457, T>C on the plus strand (A>G on the coding strand, the complement: NEBL is on the minus strand). VCF-style: chr10-20826457-T-C. GRCh37 (hg19) VCF-style: chr10-21115386-T-C.
Other names: c.250-13517A>G (NM_001377326.1, NM_001377327.1, NM_001377328.1); c.358-13517A>G (NM_213569.2, NM_001173484.2, NM_001377322.1); c.301-13517A>G (NM_001377324.1); c.292-13517A>G (NM_001377325.1); c.310-13517A>G (NM_001377323.1); short protein forms N620S.
Identifiers: ClinVar variation 2764692 (VCV002764692.3), dbSNP rs1304690759, ClinGen allele CA376095966.